The following is an entry in ClinVar:

ClinVar aggregate classification (germline): Uncertain significance. Review status: criteria provided, multiple submitters, no conflicts (2 of 4 stars). 3 submissions from 3 submitters: Uncertain significance (3). Last evaluated 2026-05-30.

Conditions:
Inborn genetic diseases. Identifiers: MedGen C0950123, MeSH D030342.
IFT74-related disorder. Also called: IFT74-related condition; IFT74-Related Disorders.

Allele frequency attached by ClinVar (database versions not stated): gnomAD 0.00007; ExAC 0.00010; gnomAD exomes 0.00010; TOPMed 0.00012; 1000 Genomes Project 0.00020; 1000 Genomes Project 30x 0.00031.
gnomAD v4.1: 143 of 1,565,476 alleles (0.0091%); highest among the groups gnomAD compares: Admixed American, 0.051%; no homozygotes.

Submissions (3):

PreventionGenetics, part of Exact Sciences
Classification: Uncertain significance for IFT74-related condition. Last evaluated: 2026-05-30. Review status: criteria provided, single submitter. Criteria: ACMG Guidelines, 2015. Collection method: clinical testing. Allele origin: germline.
Comment: The IFT74 c.326C>A variant is predicted to result in the amino acid substitution p.Thr109Lys. To our knowledge, this variant has not been reported in the literature. This variant is reported in 0.078% of alleles in individuals of Latino descent in gnomAD, which may be too frequent to be a primary cause of disease. Although we suspect that this variant may be benign, at this time, the clinical significance of this variant is uncertain due to the absence of conclusive functional and genetic evidence.

Ambry Genetics
Classification: Uncertain significance for Inborn genetic diseases. Last evaluated: 2025-06-03. Review status: criteria provided, single submitter. Criteria: Ambry Variant Classification Scheme 2023. Collection method: clinical testing. Allele origin: germline.

Labcorp Genetics (formerly Invitae), Labcorp
Classification: Uncertain significance. Last evaluated: 2022-08-01. Review status: criteria provided, single submitter. Criteria: Invitae Variant Classification Sherloc (09022015). Collection method: clinical testing. Allele origin: germline.
Comment: This sequence change replaces threonine, which is neutral and polar, with lysine, which is basic and polar, at codon 109 of the IFT74 protein (p.Thr109Lys). This variant is present in population databases (rs551801376, gnomAD 0.08%). This variant has not been reported in the literature in individuals affected with IFT74-related conditions. Algorithms developed to predict the effect of missense changes on protein structure and function (SIFT, PolyPhen-2, Align-GVGD) all suggest that this variant is likely to be tolerated. In summary, the available evidence is currently insufficient to determine the role of this variant in disease. Therefore, it has been classified as a Variant of Uncertain Significance.

NM_025103.4(IFT74):c.326C>A (p.Thr109Lys)

Gene: IFT74 (intraflagellar transport 74; plus strand). Cytogenetic location: 9p21.2.
Variant type: single nucleotide variant.
Coding change: c.326C>A on transcript NM_025103.4 (MANE Select); coding-DNA position 326, C replaced by A.
Protein change: p.Thr109Lys; replaces threonine 109 with lysine.
Molecular consequence: missense variant.
Genome position (GRCh38, 1-based): chr9:26,984,277, C>A. VCF-style: chr9-26984277-C-A. GRCh37 (hg19) VCF-style: chr9-26984275-C-A.
Other names: c.326C>A (NM_001099222.1, NM_025103.2); c.326C>A, p.Thr109Lys (NM_001099222.3, NM_001099223.3, NM_001099224.3 and 1 more transcripts); short protein forms T109K.
Identifiers: ClinVar variation 2072598 (VCV002072598.8), dbSNP rs551801376, ClinGen allele CA5014929.